The following is an entry in ClinVar:

NM_002053.3(GBP1):c.264G>A (p.Lys88=)

Gene: GBP1 (guanylate binding protein 1; minus strand). Cytogenetic location: 1p22.2.
Variant type: single nucleotide variant.
Coding change: c.264G>A on transcript NM_002053.3 (MANE Select); coding-DNA position 264, G replaced by A.
Protein change: p.Lys88=; no amino-acid change (lysine 88 retained).
Molecular consequence: synonymous variant.
Genome position (GRCh38, 1-based): chr1:89,060,251, C>T on the plus strand (G>A on the coding strand, the complement: GBP1 is on the minus strand). VCF-style: chr1-89060251-C-T. GRCh37 (hg19) VCF-style: chr1-89525934-C-T.
Identifiers: ClinVar variation 2638917 (VCV002638917.24), dbSNP rs186011210, ClinGen allele CA940107.

ClinVar aggregate classification (germline): Likely benign (1 of 4 stars; one submission).

Allele frequency attached by ClinVar (database versions not stated): ESP Exome Variant Server 0.00015; ExAC 0.00026; 1000 Genomes Project 30x 0.00031; TOPMed 0.00039; 1000 Genomes Project 0.00040; gnomAD 0.00046; gnomAD exomes 0.00064.
gnomAD v4.1: 965 of 1,602,066 alleles (0.06%); highest among the groups gnomAD compares: Non-Finnish European, 0.08%; no homozygotes.

Submission:

CeGaT Center for Human Genetics Tuebingen
Classification: Likely benign. Last evaluated: 2022-12-01. Review status: criteria provided, single submitter. Criteria: CeGaT Center For Human Genetics Tuebingen Variant Classification Criteria Version 2. Collection method: clinical testing. Allele origin: germline. Affected: yes. Observed: 1 variant allele.
Comment: GBP1: BP4, BP7